The following is an entry in ClinVar:

NM_020822.3(KCNT1):c.784C>T (p.Arg262Trp)

Gene: KCNT1 (potassium sodium-activated channel subfamily T member 1; plus strand). Cytogenetic location: 9q34.3.
Variant type: single nucleotide variant.
Coding change: c.784C>T on transcript NM_020822.3 (MANE Select); coding-DNA position 784, C replaced by T.
Protein change: p.Arg262Trp; replaces arginine 262 with tryptophan.
Molecular consequence: missense variant.
Genome position (GRCh38, 1-based): chr9:135,758,438, C>T. VCF-style: chr9-135758438-C-T. GRCh37 (hg19) VCF-style: chr9-138650284-C-T.
Other names: c.640C>T, p.Arg214Trp (NM_001272003.2); short protein forms R214W, R262W.
Identifiers: ClinVar variation 1310550 (VCV001310550.32), dbSNP rs375711140, ClinGen allele CA5326655.
Genomic context (GRCh38, chr9:135,758,438, plus strand): 5'-GTCCCTGCCCGCTGACAGCCACCACTCCTTCCACAGAATGACTTCCACCGTGCCATCCTG[C>T]GGACACAGTCAGCCATGTTCAACCAGGTCCTCATCCTCTTCTGCACCCTGCTGTGCCTCG-3'
Protein context (NP_065873.2, residues 252-272): MINDFHRAIL[Arg262Trp]TQSAMFNQVL

ClinVar aggregate classification (germline): Conflicting classifications of pathogenicity. Review status: criteria provided, conflicting classifications (1 of 4 stars). 3 submissions from 3 submitters: Likely pathogenic (1); Uncertain significance (2). Last evaluated 2024-02-24.

Conditions:
Developmental and epileptic encephalopathy, 14 (DEE14). Also called: Early infantile epileptic encephalopathy 14. Identifiers: Orphanet 293181, MedGen C3554195, MONDO:0013989, OMIM 614959.
Autosomal dominant nocturnal frontal lobe epilepsy 5. Also called: CILIARY DYSKINESIA, PRIMARY, 28, WITHOUT SITUS INVERSUS; CILIARY DYSKINESIA, PRIMARY, 28, WITH SITUS INVERSUS; Epilepsy, nocturnal frontal lobe, 5; KCNT1-Related Epilepsy. Identifiers: Orphanet 98784, MedGen C3554306, MONDO:0014002, OMIM 615005.

Allele frequency attached by ClinVar (database versions not stated): ExAC 0.00001; gnomAD 0.00001 and 0.00002; gnomAD exomes 0.00001 and 0.00002; TOPMed 0.00002; ESP Exome Variant Server 0.00008.

Submissions (3):

Labcorp Genetics (formerly Invitae), Labcorp
Classification: Likely pathogenic for Autosomal dominant nocturnal frontal lobe epilepsy 5; Developmental and epileptic encephalopathy, 14. Last evaluated: 2024-02-24. Review status: criteria provided, single submitter. Criteria: Invitae Variant Classification Sherloc (09022015). Collection method: clinical testing. Allele origin: germline.
Comment: This sequence change replaces arginine, which is basic and polar, with tryptophan, which is neutral and slightly polar, at codon 262 of the KCNT1 protein (p.Arg262Trp). This variant is present in population databases (rs375711140, gnomAD 0.006%). This variant has not been reported in the literature in individuals affected with KCNT1-related conditions. ClinVar contains an entry for this variant (Variation ID: 1310550). Advanced modeling of protein sequence and biophysical properties (such as structural, functional, and spatial information, amino acid conservation, physicochemical variation, residue mobility, and thermodynamic stability) performed at Invitae indicates that this missense variant is expected to disrupt KCNT1 protein function with a positive predictive value of 80%. This variant disrupts the p.Arg262 amino acid residue in KCNT1. Other variant(s) that disrupt this residue have been determined to be pathogenic (PMID: 26122718; Invitae). This suggests that this residue is clinically significant, and that variants that disrupt this residue are likely to be disease-causing. In summary, the currently available evidence indicates that the variant is pathogenic, but additional data are needed to prove that conclusively. Therefore, this variant has been classified as Likely Pathogenic.

CeGaT Center for Human Genetics Tuebingen
Classification: Uncertain significance. Last evaluated: 2024-02-01. Review status: criteria provided, single submitter. Criteria: CeGaT Center For Human Genetics Tuebingen Variant Classification Criteria Version 2. Collection method: clinical testing. Allele origin: germline. Affected: yes. Observed: 1 variant allele.
Comment: KCNT1: PM5, PM2:Supporting, PP3

GeneDx
Classification: Uncertain significance. Last evaluated: 2023-01-09. Review status: criteria provided, single submitter. Criteria: GeneDx Variant Classification Process June 2021. Collection method: clinical testing. Allele origin: germline. Affected: yes.
Comment: In silico analysis, which includes protein predictors and evolutionary conservation, supports a deleterious effect; Has not been previously published as pathogenic or benign to our knowledge

Literature cited by the submitters: PubMed 26122718 (cited by Labcorp Genetics (formerly Invitae), Labcorp).